The following is an entry in ClinVar:

ClinVar aggregate classification (germline): Uncertain significance (1 of 4 stars; one submission).

Conditions:
TGFB1-related disorder. Also called: TGFB1-related condition.

gnomAD v4.1: 4 of 1,614,116 alleles (0.00025%); highest among the groups gnomAD compares: East Asian, 0.0045%; no homozygotes.

Submission:

PreventionGenetics, part of Exact Sciences
Classification: Uncertain significance for TGFB1-related condition. Last evaluated: 2025-11-17. Review status: criteria provided, single submitter. Criteria: ACMG Guidelines, 2015. Collection method: clinical testing. Allele origin: germline.
Comment: The TGFB1 c.898A>G variant is predicted to result in the amino acid substitution p.Ile300Val. To our knowledge, this variant has not been reported in the literature or in a large population database (gnomAD), indicating this variant is rare. At this time, the clinical significance of this variant is uncertain due to the absence of conclusive functional and genetic evidence.

NM_000660.7(TGFB1):c.898A>G (p.Ile300Val)

Gene: TGFB1 (transforming growth factor beta 1; minus strand). Cytogenetic location: 19q13.2.
Variant type: single nucleotide variant.
Coding change: c.898A>G on transcript NM_000660.7 (MANE Select); coding-DNA position 898, A replaced by G.
Protein change: p.Ile300Val; replaces isoleucine 300 with valine.
Molecular consequence: missense variant.
Genome position (GRCh38, 1-based): chr19:41,332,244, T>C on the plus strand (A>G on the coding strand, the complement: TGFB1 is on the minus strand). VCF-style: chr19-41332244-T-C. GRCh37 (hg19) VCF-style: chr19-41838149-T-C.
Other names: short protein forms I300V.
Identifiers: ClinVar variation 4985808 (VCV004985808.1).